The following is an entry in ClinVar:

NM_001199107.2(TBC1D24):c.1207-6C>G

Gene: TBC1D24 (TBC1 domain family member 24; plus strand). Cytogenetic location: 16p13.3.
Variant type: single nucleotide variant.
Coding change: c.1207-6C>G on transcript NM_001199107.2 (MANE Select); 6 bases into the intron before coding-DNA position 1207, C replaced by G.
Molecular consequence: intron variant.
Genome position (GRCh38, 1-based): chr16:2,499,829, C>G. VCF-style: chr16-2499829-C-G. GRCh37 (hg19) VCF-style: chr16-2549830-C-G.
Other names: c.1189-6C>G (NM_020705.3).
Identifiers: ClinVar variation 431896 (VCV000431896.14), dbSNP rs749626631, ClinGen allele CA7844222.

ClinVar aggregate classification (germline): Conflicting classifications of pathogenicity. Review status: criteria provided, conflicting classifications (1 of 4 stars). 3 submissions from 3 submitters: Uncertain significance (1); Likely benign (2). Last evaluated 2025-06-19.

Conditions:
Autosomal dominant nonsyndromic hearing loss 65. Also called: TBC1D24-Related Autosomal Dominant Nonsyndromic Hearing Loss (DFNA); Deafness, autosomal dominant 65. Identifiers: Orphanet 90635, MedGen C3892048, MONDO:0014470, OMIM 616044.
Developmental and epileptic encephalopathy, 1 (DEE1). Also called: X-linked infantile spasms; West's syndrome; Tonic spasms with clustering, arrest of psychomotor development and hypsarrhythmia on EEG; X-Linked Infantile Spasm Syndrome; INFANTILE SPASM SYNDROME, X-LINKED 1; OHTAHARA SYNDROME, X-LINKED. Identifiers: MedGen C3463992, MONDO:0010632, OMIM 308350. Disease mechanism: loss of function.
TBC1D24-related disorder. Also called: TBC1D24-related condition; TBC1D24-related disorders. Identifiers: MedGen CN381194.

Allele frequency attached by ClinVar (database versions not stated): TOPMed 0.00003; ExAC 0.00004; gnomAD exomes 0.00007.
gnomAD v4.1: 79 of 1,613,472 alleles (0.0049%); highest among the groups gnomAD compares: Middle Eastern, 0.033%; no homozygotes.

Submissions (4):

Labcorp Genetics (formerly Invitae), Labcorp
Classification: Likely benign for Developmental and epileptic encephalopathy, 1; Autosomal dominant nonsyndromic hearing loss 65. Last evaluated: 2025-06-19. Review status: criteria provided, single submitter. Criteria: Invitae Variant Classification Sherloc (09022015). Collection method: clinical testing. Allele origin: germline.

PreventionGenetics, part of Exact Sciences
Classification: Likely benign for TBC1D24-related condition. Last evaluated: 2025-01-06. Review status: criteria provided, single submitter. Criteria: ACMG Guidelines, 2015. Collection method: clinical testing. Allele origin: germline.
Comment: This variant is classified as likely benign based on ACMG/AMP sequence variant interpretation guidelines (Richards et al. 2015 PMID: 25741868, with internal and published modifications).

GeneDx
Classification: Uncertain significance. Last evaluated: 2021-03-19. Review status: criteria provided, single submitter. Criteria: GeneDx Variant Classification Process June 2021. Collection method: clinical testing. Allele origin: germline. Affected: yes.
Comment: In silico analysis supports a deleterious effect on splicing; Has not been previously published as pathogenic or benign to our knowledge

Dr. Peter K. Rogan Lab, Western University
No classification provided (evidence only). Condition: Familial cancer of breast. Review status: no classification provided. Collection method: in vitro. Allele origin: not applicable. Functional consequence: skipped exon. Not counted in ClinVar's aggregate classification.